The following is an entry in ClinVar:

NM_001378454.1(ALMS1):c.245C>T (p.Ala82Val)

Gene: ALMS1 (ALMS1 centrosome and basal body associated protein; plus strand). Cytogenetic location: 2p13.1.
Variant type: single nucleotide variant.
Coding change: c.245C>T on transcript NM_001378454.1 (MANE Select); coding-DNA position 245, C replaced by T.
Protein change: p.Ala82Val; replaces alanine 82 with valine.
Molecular consequence: missense variant.
Genome position (GRCh38, 1-based): chr2:73,386,113, C>T. VCF-style: chr2-73386113-C-T. GRCh37 (hg19) VCF-style: chr2-73613241-C-T.
Other names: c.248C>T, p.Ala83Val (NM_015120.4); short protein forms A82V, A83V.
Identifiers: ClinVar variation 1509484 (VCV001509484.12), dbSNP rs747750620, ClinGen allele CA1712778.
Genomic context (GRCh38, chr2:73,386,113, plus strand): 5'-CCCAGCATCTGGAAAGTATAGACGACGAGGAGGACGAGGAGGCCAAGGCCTGGCTGCAGG[C>T]GCACCCCGGCAGGATTTTGCCTCCGCTGTCGCCCCCGCAGCACCGCTACTCGGAGGGCGA-3'
Protein context (NP_001365383.1, residues 72-92): EDEEAKAWLQ[Ala82Val]HPGRILPPLS

ClinVar aggregate classification (germline): Uncertain significance. Review status: criteria provided, multiple submitters, no conflicts (2 of 4 stars). 6 submissions from 6 submitters: Uncertain significance (6). Last evaluated 2025-12-16.

Conditions:
Cardiovascular phenotype. Identifiers: MedGen CN230736.
Alstrom syndrome (ALMS). Identifiers: Orphanet 64, MedGen C0268425, MONDO:0008763, OMIM 203800.

Allele frequency attached by ClinVar (database versions not stated): gnomAD exomes 0.00002 and 0.00004; TOPMed 0.00002; gnomAD 0.00003; ExAC 0.00013.
gnomAD v4.1: 33 of 1,584,336 alleles (0.0021%); highest among the groups gnomAD compares: Non-Finnish European, 0.0025%; no homozygotes.

Submissions (6):

Ambry Genetics
Classification: Uncertain significance for Cardiovascular phenotype. Last evaluated: 2025-12-16. Review status: criteria provided, single submitter. Criteria: Ambry Variant Classification Scheme 2023. Collection method: clinical testing. Allele origin: germline.
Comment: The p.A83V variant (also known as c.248C>T), located in coding exon 1 of the ALMS1 gene, results from a C to T substitution at nucleotide position 248. The alanine at codon 83 is replaced by valine, an amino acid with similar properties. This amino acid position is highly conserved in available vertebrate species. In addition, the in silico prediction for this alteration is inconclusive. Since supporting evidence is limited at this time, the clinical significance of this alteration remains unclear.

Labcorp Genetics (formerly Invitae), Labcorp
Classification: Uncertain significance for Alstrom syndrome. Last evaluated: 2025-10-11. Review status: criteria provided, single submitter. Criteria: Invitae Variant Classification Sherloc (09022015). Collection method: clinical testing. Allele origin: germline.
Comment: This sequence change replaces alanine, which is neutral and non-polar, with valine, which is neutral and non-polar, at codon 83 of the ALMS1 protein (p.Ala83Val). The frequency data for this variant in the population databases is considered unreliable, as metrics indicate poor data quality at this position in the gnomAD database. This variant has not been reported in the literature in individuals affected with ALMS1-related conditions. ClinVar contains an entry for this variant (Variation ID: 1509484). Experimental studies and prediction algorithms are not available or were not evaluated, and the functional significance of this variant is currently unknown. In summary, the available evidence is currently insufficient to determine the role of this variant in disease. Therefore, it has been classified as a Variant of Uncertain Significance.

Women's Health and Genetics/Laboratory Corporation of America, LabCorp
Classification: Uncertain significance. Last evaluated: 2024-10-27. Review status: criteria provided, single submitter. Criteria: LabCorp Variant Classification Summary - May 2015. Collection method: clinical testing. Allele origin: germline.

GeneDx
Classification: Uncertain significance. Last evaluated: 2024-03-01. Review status: criteria provided, single submitter. Criteria: GeneDx Variant Classification Process June 2021. Collection method: clinical testing. Allele origin: germline. Affected: yes.
Comment: Not observed at significant frequency in large population cohorts (gnomAD); In silico analysis supports that this missense variant does not alter protein structure/function; Has not been previously published as pathogenic or benign to our knowledge

Fulgent Genetics
Classification: Uncertain significance for Alstrom syndrome. Last evaluated: 2021-10-11. Review status: criteria provided, single submitter. Criteria: ACMG Guidelines, 2015. Collection method: clinical testing. Allele origin: unknown.

Breakthrough Genomics
Classification: Uncertain significance. Review status: criteria provided, single submitter. Criteria: ACMG Guidelines, 2015. Collection method: not provided. Allele origin: germline. Inheritance: Autosomal recessive inheritance. Affected: yes.